The following is an entry in ClinVar:

ClinVar aggregate classification (germline): Uncertain significance (1 of 4 stars; one submission).

Submission:

Labcorp Genetics (formerly Invitae), Labcorp
Classification: Uncertain significance. Last evaluated: 2023-11-03. Review status: criteria provided, single submitter. Criteria: Invitae Variant Classification Sherloc (09022015). Collection method: clinical testing. Allele origin: germline.
Comment: This sequence change affects a donor splice site in intron 25 of the HMCN1 gene. It is expected to disrupt RNA splicing. Variants that disrupt the donor or acceptor splice site typically lead to a loss of protein function (PMID: 16199547), however the current clinical and genetic evidence is not sufficient to establish whether loss-of-function variants in HMCN1 cause disease. This variant is not present in population databases (gnomAD no frequency). This variant has not been reported in the literature in individuals affected with HMCN1-related conditions. Algorithms developed to predict the effect of sequence changes on RNA splicing suggest that this variant may disrupt the consensus splice site. In summary, the available evidence is currently insufficient to determine the role of this variant in disease. Therefore, it has been classified as a Variant of Uncertain Significance.

Literature cited by the submitters: PubMed 16199547.

NM_031935.3(HMCN1):c.3874+2T>C

Gene: HMCN1 (hemicentin 1; plus strand). Cytogenetic location: 1q31.1.
Variant type: single nucleotide variant.
Coding change: c.3874+2T>C on transcript NM_031935.3 (MANE Select); the canonical splice donor site of the intron after coding-DNA position 3874, T replaced by C.
Molecular consequence: splice donor variant.
Genome position (GRCh38, 1-based): chr1:185,997,526, T>C. VCF-style: chr1-185997526-T-C. GRCh37 (hg19) VCF-style: chr1-185966658-T-C.
Identifiers: ClinVar variation 2976046 (VCV002976046.3), dbSNP rs2527430433, ClinGen allele CA343873469.